The following is an entry in ClinVar:

ClinVar aggregate classification (germline): Pathogenic (1 of 4 stars; one submission).

Conditions:
Marfan syndrome (MFS). Also called: Marfan syndrome, classic; FBN1-Related Marfan Syndrome; Marfan syndrome type 1; Marfan's syndrome; MARFAN SYNDROME, TYPE I. Identifiers: Orphanet 284963, Orphanet 558, MedGen C0024796, MONDO:0007947, OMIM 154700.
Familial thoracic aortic aneurysm and aortic dissection (TAAD). Also called: Thoracic aortic aneurysms and dissections. Identifiers: Orphanet 91387, MedGen C4707243, MONDO:0019625.

Submission:

Labcorp Genetics (formerly Invitae), Labcorp
Classification: Pathogenic for Marfan syndrome; Familial thoracic aortic aneurysm and aortic dissection. Last evaluated: 2025-09-13. Review status: criteria provided, single submitter. Criteria: Invitae Variant Classification Sherloc (09022015). Collection method: clinical testing. Allele origin: germline.
Comment: This sequence change affects a donor splice site in intron 17 of the FBN1 gene. It is expected to disrupt RNA splicing. Variants that disrupt the donor or acceptor splice site typically lead to a loss of protein function (PMID: 16199547), and loss-of-function variants in FBN1 are known to be pathogenic (PMID: 17657824, 19293843). This variant is not present in population databases (gnomAD no frequency). Disruption of this splice site has been observed in individuals with clinical features of FBN1-related conditions (PMID: 26787436; internal data). ClinVar contains an entry for this variant (Variation ID: 180358). Algorithms developed to predict the effect of sequence changes on RNA splicing suggest that this variant may disrupt the consensus splice site. For these reasons, this variant has been classified as Pathogenic.

Literature cited by the submitters: PubMed 16199547; PubMed 17657824; PubMed 19293843; PubMed 26787436.

NM_000138.5(FBN1):c.2113+2T>C

Gene: FBN1 (fibrillin 1; minus strand). Cytogenetic location: 15q21.1.
Variant type: single nucleotide variant.
Coding change: c.2113+2T>C on transcript NM_000138.5 (MANE Select); the canonical splice donor site of the intron after coding-DNA position 2113, T replaced by C.
Molecular consequence: splice donor variant.
Genome position (GRCh38, 1-based): chr15:48,503,785, A>G on the plus strand (T>C on the coding strand, the complement: FBN1 is on the minus strand). VCF-style: chr15-48503785-A-G. GRCh37 (hg19) VCF-style: chr15-48795982-A-G.
Other names: c.2113+2T>C (NM_001406716.1).
Identifiers: ClinVar variation 180358 (VCV000180358.2), dbSNP rs730880105, ClinGen allele CA012783.